The following is an entry in ClinVar:

NM_006947.4(SRP72):c.230+128dup

Gene: SRP72 (signal recognition particle 72; plus strand). Cytogenetic location: 4q12.
Variant type: Duplication.
Coding change: c.230+128dup on transcript NM_006947.4 (MANE Select); 128 bases into the intron after coding-DNA position 230, one base duplicated (C; older notation c.230+128dupC).
Molecular consequence: intron variant.
Genome position (GRCh38, 1-based): chr4:56,469,901, C duplicated; the last of 6 consecutive C bases (chr4:56,469,896-56,469,901); duplicating any one gives the same sequence. VCF-style (leftmost placement, unchanged base first): chr4-56469895-T-TC. GRCh37 (hg19) VCF-style: chr4-57336061-T-TC.
Other names: c.230+128dup (NM_001267722.2).
Identifiers: ClinVar variation 1683850 (VCV001683850.2), dbSNP rs142017318, ClinGen allele CA97584002.

ClinVar aggregate classification (germline): Likely benign (1 of 4 stars; one submission).

Submission:

GeneDx
Classification: Likely benign. Last evaluated: 2019-06-10. Review status: criteria provided, single submitter. Criteria: GeneDx Variant Classification Process June 2021. Collection method: clinical testing. Allele origin: germline. Affected: yes.
Comment: See Variant Classification Assertion Criteria.